The following is an entry in ClinVar:

ClinVar aggregate classification (germline): Uncertain significance (1 of 4 stars; one submission).

Conditions:
Hereditary motor and sensory neuropathy, Okinawa type (HMSNO). Also called: HEREDITARY MOTOR AND SENSORY NEUROPATHY, PROXIMAL TYPE. Identifiers: Orphanet 90117, MedGen C1858338, MONDO:0011468, OMIM 604484.
Hereditary spastic paraplegia 57. Also called: Spastic paraplegia 57, autosomal recessive. Identifiers: Orphanet 431329, MedGen C3714897, MONDO:0014295, OMIM 615658.

Submission:

Labcorp Genetics (formerly Invitae), Labcorp
Classification: Uncertain significance for Hereditary motor and sensory neuropathy, Okinawa type; Hereditary spastic paraplegia 57. Last evaluated: 2022-11-09. Review status: criteria provided, single submitter. Criteria: Invitae Variant Classification Sherloc (09022015). Collection method: clinical testing. Allele origin: germline.
Comment: This sequence change replaces aspartic acid, which is acidic and polar, with alanine, which is neutral and non-polar, at codon 6 of the TFG protein (p.Asp6Ala). This variant is not present in population databases (gnomAD no frequency). This variant has not been reported in the literature in individuals affected with TFG-related conditions. Advanced modeling of protein sequence and biophysical properties (such as structural, functional, and spatial information, amino acid conservation, physicochemical variation, residue mobility, and thermodynamic stability) performed at Invitae indicates that this missense variant is expected to disrupt TFG protein function. In summary, the available evidence is currently insufficient to determine the role of this variant in disease. Therefore, it has been classified as a Variant of Uncertain Significance.

NM_006070.6(TFG):c.17A>C (p.Asp6Ala)

Gene: TFG (trafficking from ER to golgi regulator; plus strand). Cytogenetic location: 3q12.2.
Variant type: single nucleotide variant.
Coding change: c.17A>C on transcript NM_006070.6 (MANE Select); coding-DNA position 17, A replaced by C.
Protein change: p.Asp6Ala; replaces aspartic acid 6 with alanine.
Molecular consequence: missense variant.
Genome position (GRCh38, 1-based): chr3:100,713,702, A>C. VCF-style: chr3-100713702-A-C. GRCh37 (hg19) VCF-style: chr3-100432546-A-C.
Other names: c.17A>C, p.Asp6Ala (NM_001007565.2, NM_001195478.2, NM_001195479.2); short protein forms D6A.
Identifiers: ClinVar variation 2941433 (VCV002941433.3), dbSNP rs2472056460, ClinGen allele CA353836663.
Genomic context (GRCh38, chr3:100,713,702, plus strand): 5'-GTCTTTCTCTAGAGTTGTATATATAGAACATCCTGGAGTCCACCATGAACGGACAGTTGG[A>C]TCTAAGTGGGAAGCTAATCATCAAAGCTCAACTTGGGGAGGATATTCGGCGAATTCCTAT-3'
Protein context (NP_006061.2, residues 1-16): MNGQL[Asp6Ala]LSGKLIIKAQ